The following is an entry in ClinVar:

ClinVar aggregate classification (germline): Uncertain significance (1 of 4 stars; one submission).

Conditions:
Leigh syndrome (NULS). Also called: Leigh's necrotizing encephalopathy; Leigh's disease; Leigh's syndrome; LEIGH SYNDROME, NUCLEAR; Leigh Syndrome (mtDNA deletion); Leigh Disease. Identifiers: Orphanet 506, MedGen C2931891, MONDO:0009723, OMIM 256000.

Submission:

Wong Mito Lab, Molecular and Human Genetics, Baylor College of Medicine
Classification: Uncertain significance for Leigh syndrome. Last evaluated: 2019-10-17. Review status: criteria provided, single submitter. Criteria: Modified ACMG Guidelines (Unpublished). Collection method: clinical testing. Allele origin: germline.
Comment: The NC_012920.1:m.15557G>A (YP_003024038.1:p.Glu271Lys) variant in MTCYB gene is interpretated to be a Uncertain Significance variant based on the modified ACMG guidelines (unpublished). This variant meets the following evidence codes: no criteria

NC_012920.1(MT-CYB):m.15557G>A

Gene: MT-CYB (mitochondrially encoded cytochrome b; plus strand).
Variant type: single nucleotide variant.
Genome position: chrM-15557-G-A.
Identifiers: ClinVar variation 693906 (VCV000693906.1), dbSNP rs1603225350, ClinGen allele CA913174198.